The following is an entry in ClinVar:

ClinVar aggregate classification (germline): Uncertain significance. Review status: criteria provided, multiple submitters, no conflicts (2 of 4 stars). 5 submissions from 5 submitters: Uncertain significance (4). 1 of the submissions does not count toward it. Last evaluated 2025-04-16.

Conditions:
MLC1-related disorder. Also called: MLC1-related condition.
Megalencephalic leukoencephalopathy with subcortical cysts 1 (MLC1). Also called: LEUKOENCEPHALOPATHY WITH SWELLING AND CYSTS; VACUOLATING MEGALENCEPHALIC LEUKOENCEPHALOPATHY WITH SUBCORTICAL CYSTS. Identifiers: Orphanet 2478, MedGen C5779875, MONDO:0024555, OMIM 604004.

Allele frequency attached by ClinVar (database versions not stated): 1000 Genomes Project 0.00020; ESP Exome Variant Server 0.00023; ExAC 0.00030; 1000 Genomes Project 30x 0.00031; gnomAD 0.00033 and 0.00034; TOPMed 0.00039; gnomAD exomes 0.00041 and 0.00054.
gnomAD v4.1: 842 of 1,613,928 alleles (0.052%); highest among the groups gnomAD compares: Non-Finnish European, 0.059%; no homozygotes.

Submissions (5):

GeneDx
Classification: Uncertain significance. Last evaluated: 2025-04-16. Review status: criteria provided, single submitter. Criteria: GeneDx Variant Classification Process June 2021. Collection method: clinical testing. Allele origin: germline. Affected: yes.
Comment: In silico analysis indicates that this missense variant does not alter protein structure/function; Has not been previously published as pathogenic or benign to our knowledge

Blueprint Genetics
Classification: Uncertain significance. Last evaluated: 2024-10-02. Review status: criteria provided, single submitter. Criteria: ACMG Guidelines, 2015. Collection method: clinical testing. Allele origin: germline.

Labcorp Genetics (formerly Invitae), Labcorp
Classification: Uncertain significance. Last evaluated: 2022-08-21. Review status: criteria provided, single submitter. Criteria: Invitae Variant Classification Sherloc (09022015). Collection method: clinical testing. Allele origin: germline.
Comment: This sequence change replaces glutamic acid, which is acidic and polar, with aspartic acid, which is acidic and polar, at codon 187 of the MLC1 protein (p.Glu187Asp). This variant is present in population databases (rs148532625, gnomAD 0.2%). This variant has not been reported in the literature in individuals affected with MLC1-related conditions. ClinVar contains an entry for this variant (Variation ID: 342107). Algorithms developed to predict the effect of missense changes on protein structure and function are either unavailable or do not agree on the potential impact of this missense change (SIFT: "Tolerated"; PolyPhen-2: "Possibly Damaging"; Align-GVGD: "Class C0"). In summary, the available evidence is currently insufficient to determine the role of this variant in disease. Therefore, it has been classified as a Variant of Uncertain Significance.

Illumina Laboratory Services, Illumina
Classification: Uncertain significance for Megalencephalic leukoencephalopathy with subcortical cysts 1. Last evaluated: 2018-01-13. Review status: criteria provided, single submitter. Criteria: ICSL Variant Classification Criteria 13 December 2019. Collection method: clinical testing. Allele origin: germline.

PreventionGenetics, part of Exact Sciences
Classification: Likely benign for MLC1-related condition. Last evaluated: 2022-09-21. Review status: no assertion criteria provided. Collection method: clinical testing. Allele origin: germline. Not counted in ClinVar's aggregate classification.
Comment: This variant is classified as likely benign based on ACMG/AMP sequence variant interpretation guidelines (Richards et al. 2015 PMID: 25741868, with internal and published modifications).

NM_015166.4(MLC1):c.561A>C (p.Glu187Asp)

Gene: MLC1 (modulator of VRAC current 1; minus strand). Cytogenetic location: 22q13.33.
Variant type: single nucleotide variant.
Coding change: c.561A>C on transcript NM_015166.4 (MANE Select); coding-DNA position 561, A replaced by C.
Protein change: p.Glu187Asp; replaces glutamic acid 187 with aspartic acid.
Molecular consequence: missense variant. On other transcripts: non-coding transcript variant (3).
Genome position (GRCh38, 1-based): chr22:50,076,877, T>G on the plus strand (A>C on the coding strand, the complement: MLC1 is on the minus strand). VCF-style: chr22-50076877-T-G. GRCh37 (hg19) VCF-style: chr22-50515306-T-G.
Other names: c.561A>C, p.Glu187Asp (NM_001376472.1, NM_001376473.1, NM_001376474.1 and 6 more transcripts); c.471A>C, p.Glu157Asp (NM_001376480.1); c.459A>C, p.Glu153Asp (NM_001376481.1); c.405A>C, p.Glu135Asp (NM_001376482.1, NM_001376483.1); c.324A>C, p.Glu108Asp (NM_001376484.1); short protein forms E187D, E108D, E135D, E153D, E157D.
Identifiers: ClinVar variation 342107 (VCV000342107.10), dbSNP rs148532625, ClinGen allele CA10303468.